The following is an entry in ClinVar:

NM_004655.4(AXIN2):c.1060-2A>G

Gene: AXIN2 (axin 2; minus strand). Cytogenetic location: 17q24.1.
Variant type: single nucleotide variant.
Coding change: c.1060-2A>G on transcript NM_004655.4 (MANE Select); the canonical splice acceptor site of the intron before coding-DNA position 1060, A replaced by G.
Molecular consequence: splice acceptor variant.
Genome position (GRCh38, 1-based): chr17:65,538,345, T>C on the plus strand (A>G on the coding strand, the complement: AXIN2 is on the minus strand). VCF-style: chr17-65538345-T-C. GRCh37 (hg19) VCF-style: chr17-63534463-T-C.
Other names: c.1060-2A>G (NM_001363813.1).
Identifiers: ClinVar variation 1327070 (VCV001327070.12), dbSNP rs2144478938, ClinGen allele CA400678661.
Genomic context (GRCh38, chr17:65,538,345, plus strand): 5'-TCAGCTGCAAAGGTGGCGGGTTCCACGGGGGTCATCTCCTTGGGCAGGCGGTGGGTTCTC[T>C]ACAGGACGTGGAAAGGAAAGGGAGGAGGCACGTTCAGCAGGCTAGGTGGGCGGTGGCTTG-3'

ClinVar aggregate classification (germline): Conflicting classifications of pathogenicity. Review status: criteria provided, conflicting classifications (1 of 4 stars). 4 submissions from 4 submitters: Likely pathogenic (3); Uncertain significance (1). Last evaluated 2024-12-23.

Conditions:
Colorectal carcinoma. Identifiers: MedGen C0009402, MONDO:0024331.
Hereditary cancer-predisposing syndrome. Also called: Hereditary Cancer Syndrome; Tumor predisposition; Neoplastic Syndromes, Hereditary; Hereditary neoplastic syndrome. Identifiers: Orphanet 140162, MedGen C0027672, MeSH D009386, MONDO:0015356.
Oligodontia-cancer predisposition syndrome. Also called: TOOTH AGENESIS-COLORECTAL CANCER SYNDROME. Identifiers: Orphanet 300576, MedGen C1837750, MONDO:0012075, OMIM 608615. Disease mechanism: loss of function.

Submissions (4):

Ambry Genetics
Classification: Uncertain significance for Hereditary cancer-predisposing syndrome. Last evaluated: 2024-12-23. Review status: criteria provided, single submitter. Criteria: Ambry Variant Classification Scheme 2023. Collection method: clinical testing. Allele origin: germline.
Comment: The c.1060-2A>G intronic variant results from an A to G substitution two nucleotides upstream from coding exon 4 in the AXIN2 gene. Alterations that disrupt the canonical splice site are expected to result in aberrant splicing. In silico splice site analysis predicts that this alteration will weaken the native splice acceptor site and will result in the creation or strengthening of a novel splice acceptor site. The resulting transcript is predicted to be in-frame and is not expected to trigger nonsense-mediated mRNAdecay; although, direct evidence is unavailable. This nucleotide position is highly conserved in available vertebrate species. Based on the available evidence, the clinical significance of this variant remains unclear.

Women's Health and Genetics/Laboratory Corporation of America, LabCorp
Classification: Likely pathogenic for Colorectal carcinoma. Last evaluated: 2022-10-06. Review status: criteria provided, single submitter. Criteria: LabCorp Variant Classification Summary - May 2015. Collection method: clinical testing. Allele origin: germline.
Comment: Variant summary: AXIN2 c.1060-2A>G is located in a canonical splice-site and is predicted to affect mRNA splicing resulting in a significantly altered protein due to either exon skipping, shortening, or inclusion of intronic material. Several computational tools predict a significant impact on normal splicing: four predict the variant abolishes a 3 prime acceptor site. However, these predictions have yet to be confirmed by functional studies. The variant was absent in 250272 control chromosomes. To our knowledge, no occurrence of c.1060-2A>G in individuals affected with Colorectal Cancer and no experimental evidence demonstrating its impact on protein function have been reported. Two clinical diagnostic laboratories have submitted clinical-significance assessments for this variant to ClinVar after 2014 without evidence for independent evaluation. Both laboratories classified the variant as likely pathogenic. Based on the evidence outlined above, the variant was classified as likely pathogenic.

Baylor Genetics
Classification: Likely pathogenic for Oligodontia-cancer predisposition syndrome. Last evaluated: 2021-07-27. Review status: criteria provided, single submitter. Criteria: ACMG Guidelines, 2015. Collection method: clinical testing. Allele origin: unknown. Affected: yes. Study: CSER-TexasKidsCanSeq.
Comment: This variant was determined to be likely pathogenic according to ACMG Guidelines, 2015 [PMID:25741868].

Labcorp Genetics (formerly Invitae), Labcorp
Classification: Likely pathogenic for Oligodontia-cancer predisposition syndrome. Last evaluated: 2021-04-01. Review status: criteria provided, single submitter. Criteria: Invitae Variant Classification Sherloc (09022015). Collection method: clinical testing. Allele origin: germline.
Comment: In summary, the currently available evidence indicates that the variant is pathogenic, but additional data are needed to prove that conclusively. Therefore, this variant has been classified as Likely Pathogenic. Algorithms developed to predict the effect of sequence changes on RNA splicing suggest that this variant may disrupt the consensus splice site, but this prediction has not been confirmed by published transcriptional studies. This variant has not been reported in the literature in individuals with AXIN2-related conditions. This variant is not present in population databases (ExAC no frequency). This sequence change affects an acceptor splice site in intron 4 of the AXIN2 gene. It is expected to disrupt RNA splicing. Variants that disrupt the donor or acceptor splice site typically lead to a loss of protein function (PMID: 16199547), and loss-of-function variants in AXIN2 are known to be pathogenic (PMID: 15042511, 21416598).

Literature cited by the submitters: PubMed 16199547 (cited by Labcorp Genetics (formerly Invitae), Labcorp); PubMed 15042511 (cited by Labcorp Genetics (formerly Invitae), Labcorp); PubMed 21416598 (cited by Labcorp Genetics (formerly Invitae), Labcorp).